The following is an entry in ClinVar:

NM_000540.3(RYR1):c.5651G>A (p.Gly1884Asp)

Gene: RYR1 (ryanodine receptor 1; plus strand). Cytogenetic location: 19q13.2.
Variant type: single nucleotide variant.
Coding change: c.5651G>A on transcript NM_000540.3 (MANE Select); coding-DNA position 5651, G replaced by A.
Protein change: p.Gly1884Asp; replaces glycine 1884 with aspartic acid.
Molecular consequence: missense variant.
Genome position (GRCh38, 1-based): chr19:38,489,280, G>A. VCF-style: chr19-38489280-G-A. GRCh37 (hg19) VCF-style: chr19-38979920-G-A.
Other names: c.5651G>A, p.Gly1884Asp (NM_001042723.2); short protein forms G1884D.
Identifiers: ClinVar variation 1989299 (VCV001989299.4), dbSNP rs2514245933, ClinGen allele CA405658369.

ClinVar aggregate classification (germline): Uncertain significance (1 of 4 stars; one submission).

Conditions:
RYR1-related disorder. Also called: RYR1-related condition; RYR1-related disorders. Identifiers: MedGen CN239331.

Submission:

Labcorp Genetics (formerly Invitae), Labcorp
Classification: Uncertain significance for RYR1-related disorder. Last evaluated: 2022-09-15. Review status: criteria provided, single submitter. Criteria: Invitae Variant Classification Sherloc (09022015). Collection method: clinical testing. Allele origin: germline.
Comment: In summary, the available evidence is currently insufficient to determine the role of this variant in disease. Therefore, it has been classified as a Variant of Uncertain Significance. Advanced modeling of protein sequence and biophysical properties (such as structural, functional, and spatial information, amino acid conservation, physicochemical variation, residue mobility, and thermodynamic stability) performed at Invitae indicates that this missense variant is not expected to disrupt RYR1 protein function. This sequence change replaces glycine, which is neutral and non-polar, with aspartic acid, which is acidic and polar, at codon 1884 of the RYR1 protein (p.Gly1884Asp). This variant is not present in population databases (gnomAD no frequency). This variant has not been reported in the literature in individuals affected with RYR1-related conditions.